The following is an entry in ClinVar:

ClinVar aggregate classification (germline): Benign/Likely benign. Review status: criteria provided, multiple submitters, no conflicts (2 of 4 stars). 4 submissions from 4 submitters: Benign (1); Likely benign (3). Last evaluated 2026-01-28.

Allele frequency attached by ClinVar (database versions not stated): gnomAD exomes 0.00142; ExAC 0.00162; ESP Exome Variant Server 0.00504; gnomAD 0.00508 and 0.00541; TOPMed 0.00536; 1000 Genomes Project 30x 0.00625; 1000 Genomes Project 0.00639.
gnomAD v4.1: 1,613 of 1,570,784 alleles (0.1%); highest among the groups gnomAD compares: African/African-American, 1.8%; 15 homozygotes.

Submissions (4):

Labcorp Genetics (formerly Invitae), Labcorp
Classification: Benign. Last evaluated: 2026-01-28. Review status: criteria provided, single submitter. Criteria: Invitae Variant Classification Sherloc (09022015). Collection method: clinical testing. Allele origin: germline.

Genomic Medicine Center of Excellence, King Faisal Specialist Hospital and Research Centre
Classification: Likely benign. Last evaluated: 2025-08-18. Review status: criteria provided, single submitter. Criteria: ACMG Guidelines, 2015. Collection method: clinical testing. Allele origin: germline.

GeneDx
Classification: Likely benign. Last evaluated: 2016-11-10. Review status: criteria provided, single submitter. Criteria: GeneDx Variant Classification (06012015). Collection method: clinical testing. Allele origin: germline. Affected: yes.
Comment: This variant is considered likely benign or benign based on one or more of the following criteria: it is a conservative change, it occurs at a poorly conserved position in the protein, it is predicted to be benign by multiple in silico algorithms, and/or has population frequency not consistent with disease.

Breakthrough Genomics
Classification: Likely benign. Review status: criteria provided, single submitter. Criteria: ACMG Guidelines, 2015. Collection method: not provided. Allele origin: germline. Inheritance: Autosomal recessive inheritance. Affected: yes.

NM_173630.4(RTTN):c.5647+16C>T

Gene: RTTN (rotatin; minus strand). Cytogenetic location: 18q22.2.
Variant type: single nucleotide variant.
Coding change: c.5647+16C>T on transcript NM_173630.4 (MANE Select); 16 bases into the intron after coding-DNA position 5647, C replaced by T.
Molecular consequence: intron variant.
Genome position (GRCh38, 1-based): chr18:70,030,860, G>A on the plus strand (C>T on the coding strand, the complement: RTTN is on the minus strand). VCF-style: chr18-70030860-G-A. GRCh37 (hg19) VCF-style: chr18-67698096-G-A.
Other names: c.2911+16C>T (NM_001318520.2).
Identifiers: ClinVar variation 380940 (VCV000380940.11), dbSNP rs114315958, ClinGen allele CA8994887.